The following is an entry in ClinVar:

NM_000059.4(BRCA2):c.1298dup (p.Asn433fs)

Gene: BRCA2 (BRCA2 DNA repair associated; plus strand). Cytogenetic location: 13q13.1.
Variant type: Duplication.
Coding change: c.1298dup on transcript NM_000059.4 (MANE Select); coding-DNA position 1298, one base duplicated (A; older notation c.1298dupA).
Protein change: p.Asn433fs; shifts the reading frame from asparagine 433.
Molecular consequence: frameshift variant.
Genome position (GRCh38, 1-based): chr13:32,332,776, A duplicated; the last of 2 consecutive A bases (chr13:32,332,775-32,332,776); duplicating either gives the same sequence. VCF-style (leftmost placement, unchanged base first): chr13-32332774-G-GA. GRCh37 (hg19) VCF-style: chr13-32906911-G-GA.
Other names: 1526insA; short protein forms N433fs.
Identifiers: ClinVar variation 266626 (VCV000266626.9), dbSNP rs886040358, ClinGen allele CA10589085.
Genomic context (GRCh38, chr13:32,332,774, plus strand): 5'-CCTATTGCATATTTCTTCATGTGACCAAAATATTTCAGAAAAAGACCTATTAGACACAGA[G>GA]AACAAAAGAAAGAAAGATTTTCTTACTTCAGAGAATTCTTTGCCACGTATTTCTAGCCTA-3'

ClinVar aggregate classification (germline): Pathogenic. Review status: reviewed by expert panel (3 of 4 stars). 3 submissions from 3 submitters: Pathogenic (1). 2 of the submissions do not count toward it. Last evaluated 2016-10-18.

Conditions:
Hereditary breast ovarian cancer syndrome. Also called: Hereditary breast and ovarian cancer; Hereditary breast and ovarian cancer syndrome (HBOC); Hereditary breast and/or ovarian cancer syndrome; Breast and ovarian cancer; Hereditary breast and ovarian cancer syndrome; BRCA1- and BRCA2-Associated Hereditary Breast and Ovarian Cancer. Identifiers: Orphanet 145, MedGen C0677776, MeSH D061325, MONDO:0003582. Disease mechanism: loss of function.
Breast-ovarian cancer, familial, susceptibility to, 2 (BROVCA2). Also called: BRCA2 Hereditary Breast and Ovarian Cancer. Identifiers: Orphanet 145, MedGen C2675520, MONDO:0012933, OMIM 612555. Disease mechanism: loss of function.

Submissions (3):

Evidence-based Network for the Interpretation of Germline Mutant Alleles (ENIGMA)
Classification: Pathogenic for Breast-ovarian cancer, familial, susceptibility to, 2. Last evaluated: 2016-10-18. Review status: reviewed by expert panel. Criteria: ENIGMA BRCA1/2 Classification Criteria (2015). Collection method: curation. Allele origin: germline.
Comment: Variant allele predicted to encode a truncated non-functional protein.

Labcorp Genetics (formerly Invitae), Labcorp
Classification: Pathogenic for Hereditary breast ovarian cancer syndrome. Last evaluated: 2024-08-13. Review status: criteria provided, single submitter. Criteria: Invitae Variant Classification Sherloc (09022015). Collection method: clinical testing. Allele origin: germline. Not counted in ClinVar's aggregate classification.
Comment: This sequence change creates a premature translational stop signal (p.Asn433Lysfs*19) in the BRCA2 gene. It is expected to result in an absent or disrupted protein product. Loss-of-function variants in BRCA2 are known to be pathogenic (PMID: 20104584). This variant is not present in population databases (gnomAD no frequency). This premature translational stop signal has been observed in individual(s) with breast and ovarian cancer (PMID: 31825140, 33476590). ClinVar contains an entry for this variant (Variation ID: 266626). For these reasons, this variant has been classified as Pathogenic.

Consortium of Investigators of Modifiers of BRCA1/2 (CIMBA), c/o University of Cambridge
Classification: Pathogenic for Breast-ovarian cancer, familial, susceptibility to, 2. Last evaluated: 2015-10-02. Review status: criteria provided, single submitter. Criteria: CIMBA Mutation Classification guidelines May 2016. Collection method: clinical testing. Allele origin: germline. Not counted in ClinVar's aggregate classification.

Literature cited by the submitters: PubMed 20104584 (cited by Labcorp Genetics (formerly Invitae), Labcorp); PubMed 31825140 (cited by Labcorp Genetics (formerly Invitae), Labcorp); PubMed 33476590 (cited by Labcorp Genetics (formerly Invitae), Labcorp).